The following is an entry in ClinVar:

NM_005215.4(DCC):c.1475T>G (p.Leu492Arg)

Gene: DCC (DCC netrin 1 receptor; plus strand). Cytogenetic location: 18q21.2.
Variant type: single nucleotide variant.
Coding change: c.1475T>G on transcript NM_005215.4 (MANE Select); coding-DNA position 1475, T replaced by G.
Protein change: p.Leu492Arg; replaces leucine 492 with arginine.
Molecular consequence: missense variant.
Genome position (GRCh38, 1-based): chr18:53,179,018, T>G. VCF-style: chr18-53179018-T-G. GRCh37 (hg19) VCF-style: chr18-50705388-T-G.
Other names: short protein forms L492R.
Identifiers: ClinVar variation 3903414 (VCV003903414.1).

ClinVar aggregate classification (germline): Uncertain significance (1 of 4 stars; one submission).

Submission:

GeneDx
Classification: Uncertain significance. Last evaluated: 2024-12-10. Review status: criteria provided, single submitter. Criteria: GeneDx Variant Classification Process June 2021. Collection method: clinical testing. Allele origin: germline. Affected: yes.
Comment: Not observed at significant frequency in large population cohorts (gnomAD); In silico analysis supports that this missense variant has a deleterious effect on protein structure/function; Has not been previously published as pathogenic or benign to our knowledge